The following is an entry in ClinVar:

NM_001082486.2(ACD):c.1168G>A (p.Gly390Arg)

Gene: ACD (ACD shelterin complex subunit and telomerase recruitment factor; minus strand). Cytogenetic location: 16q22.1.
Variant type: single nucleotide variant.
Coding change: c.1168G>A on transcript NM_001082486.2 (MANE Select); coding-DNA position 1168, G replaced by A.
Protein change: p.Gly390Arg; replaces glycine 390 with arginine.
Molecular consequence: missense variant.
Genome position (GRCh38, 1-based): chr16:67,658,024, C>T on the plus strand (G>A on the coding strand, the complement: ACD is on the minus strand). VCF-style: chr16-67658024-C-T. GRCh37 (hg19) VCF-style: chr16-67691927-C-T.
Other names: c.1159G>A, p.Gly387Arg (NM_022914.3); short protein forms G387R, G390R.
Identifiers: ClinVar variation 1049325 (VCV001049325.6), dbSNP rs553014261, ClinGen allele CA8114425.

ClinVar aggregate classification (germline): Conflicting classifications of pathogenicity. Review status: criteria provided, conflicting classifications (1 of 4 stars). 3 submissions from 3 submitters: Uncertain significance (1); Likely benign (1). 1 of the submissions does not count toward it. Last evaluated 2025-04-23.

Conditions:
Inborn genetic diseases. Identifiers: MedGen C0950123, MeSH D030342.
Dyskeratosis congenita, autosomal dominant 6 (DKCA6). Identifiers: Orphanet 3322, MedGen C4225284, MONDO:0014690, OMIM 616553.

Allele frequency attached by ClinVar (database versions not stated): gnomAD 0.00006 and 0.00005; ExAC 0.00011; 1000 Genomes Project 30x 0.00031; 1000 Genomes Project 0.00040; gnomAD exomes 0.00003 and 0.00008; TOPMed 0.00002.
gnomAD v4.1: 53 of 1,548,232 alleles (0.0034%); highest among the groups gnomAD compares: South Asian, 0.028%; 1 homozygote.

Submissions (3):

Labcorp Genetics (formerly Invitae), Labcorp
Classification: Uncertain significance for Dyskeratosis congenita, autosomal dominant 6. Last evaluated: 2025-04-23. Review status: criteria provided, single submitter. Criteria: Invitae Variant Classification Sherloc (09022015). Collection method: clinical testing. Allele origin: germline.
Comment: This sequence change replaces glycine, which is neutral and non-polar, with arginine, which is basic and polar, at codon 476 of the ACD protein (p.Gly476Arg). This variant is present in population databases (rs553014261, gnomAD 0.04%). This variant has not been reported in the literature in individuals affected with ACD-related conditions. ClinVar contains an entry for this variant (Variation ID: 1049325). Invitae Evidence Modeling of protein sequence and biophysical properties (such as structural, functional, and spatial information, amino acid conservation, physicochemical variation, residue mobility, and thermodynamic stability) indicates that this missense variant is not expected to disrupt ACD protein function with a negative predictive value of 80%. In summary, the available evidence is currently insufficient to determine the role of this variant in disease. Therefore, it has been classified as a Variant of Uncertain Significance.

Ambry Genetics
Classification: Likely benign for Inborn genetic diseases. Last evaluated: 2021-08-15. Review status: criteria provided, single submitter. Criteria: Ambry Variant Classification Scheme 2023. Collection method: clinical testing. Allele origin: germline.

Department of Pathology and Laboratory Medicine, Sinai Health System
Classification: Uncertain significance. Review status: no assertion criteria provided. Collection method: clinical testing. Allele origin: unknown. Affected: yes. Study: The Canadian Open Genetics Repository (COGR). Not counted in ClinVar's aggregate classification.
Comment: The ACD p.Gly387Arg variant was not identified in the literature nor was it identified in ClinVar. The variant was identified in dbSNP (ID: rs553014261) and in control databases in 17 of 227966 chromosomes (1 homozygous) at a frequency of 0.00007457 (Genome Aggregation Database March 6, 2019, v2.1.1). The variant was observed in the following populations: South Asian in 8 of 18768 chromosomes (freq: 0.000426), African in 6 of 24118 chromosomes (freq: 0.000249), Latino in 1 of 26912 chromosomes (freq: 0.000037) and European (non-Finnish) in 2 of 107624 chromosomes (freq: 0.000019), but was not observed in the Ashkenazi Jewish, East Asian, European (Finnish), or Other populations. The p.Gly387 residue is not conserved in mammals and four out of five computational analyses (PolyPhen-2, SIFT, AlignGVGD, BLOSUM, MutationTaster) do not suggest a high likelihood of impact to the protein; however, this information is not predictive enough to rule out pathogenicity. The variant occurs outside of the splicing consensus sequence and in silico or computational prediction software programs (SpliceSiteFinder, MaxEntScan, NNSPLICE, GeneSplicer) do not predict a difference in splicing. In summary, based on the above information the clinical significance of this variant cannot be determined with certainty at this time. This variant is classified as a variant of uncertain significance.